The following is an entry in ClinVar:

NM_007294.4(BRCA1):c.4003C>G (p.Leu1335Val)

Genes: BRCA1 (BRCA1 DNA repair associated; minus strand), LOC126862571 (BRD4-independent group 4 enhancer GRCh37_chr17:41243136-41244335; plus strand). Cytogenetic location: 17q21.31.
Variant type: single nucleotide variant.
Coding change: c.4003C>G on transcript NM_007294.4 (MANE Select); coding-DNA position 4003, C replaced by G.
Protein change: p.Leu1335Val; replaces leucine 1335 with valine.
Molecular consequence: missense variant. On other transcripts: intron variant (135).
Genome position (GRCh38, 1-based): chr17:43,091,528, G>C on the plus strand (C>G on the coding strand, the complement: BRCA1 is on the minus strand). VCF-style: chr17-43091528-G-C. GRCh37 (hg19) VCF-style: chr17-41243545-G-C.
Other names: c.3790C>G, p.Leu1264Val (NM_001407571.1, NM_001407853.1, NM_001407894.1 and 9 more transcripts); c.4003C>G, p.Leu1335Val (NM_001407581.1, NM_001407582.1, NM_001407583.1 and 30 more transcripts); c.4000C>G, p.Leu1334Val (NM_001407587.1, NM_001407590.1, NM_001407591.1 and 22 more transcripts); c.3994C>G, p.Leu1332Val (NM_001407646.1, NM_001407647.1); c.3880C>G, p.Leu1294Val (NM_001407648.1, NM_001407664.1, NM_001407665.1 and 19 more transcripts); c.3877C>G, p.Leu1293Val (NM_001407649.1, NM_001407670.1, NM_001407671.1 and 11 more transcripts); c.3925C>G, p.Leu1309Val (NM_001407653.1, NM_001407654.1, NM_001407655.1 and 4 more transcripts); c.3922C>G, p.Leu1308Val (NM_001407659.1, NM_001407660.1, NM_001407661.1 and 1 more transcripts); and 41 more; short protein forms L1167V, L1265V, L1268V, L1287V, L1332V, L1334V, L1335V, L1039V.
Identifiers: ClinVar variation 1736954 (VCV001736954.6), dbSNP rs2154270139, ClinGen allele CA10593956.
Genomic context (GRCh38, chr17:43,091,528, plus strand): 5'-TATTTTCTTCCAAGCCCGTTCCTCTTTCTTCATCATCTGAAACCAATTCCTTGTCACTCA[G>C]ACCAACTCCCTGGCTTTCAGACTGATGCCTCATTTGTTTGGAAGAACCAATCAAGAAAGG-3'
Protein context (NP_009225.1, residues 1325-1345): RHQSESQGVG[Leu1335Val]SDKELVSDDE

ClinVar aggregate classification (germline): Conflicting classifications of pathogenicity. Review status: criteria provided, conflicting classifications (1 of 4 stars). 3 submissions from 3 submitters: Uncertain significance (2); Likely benign (1). Last evaluated 2024-03-28.

Conditions:
Hereditary breast ovarian cancer syndrome. Also called: Hereditary breast and ovarian cancer syndrome; Breast and ovarian cancer; Hereditary breast and/or ovarian cancer syndrome; Hereditary breast and ovarian cancer; BRCA1- and BRCA2-Associated Hereditary Breast and Ovarian Cancer; Hereditary breast and ovarian cancer syndrome (HBOC). Identifiers: Orphanet 145, MedGen C0677776, MeSH D061325, MONDO:0003582. Disease mechanism: loss of function.
Hereditary cancer-predisposing syndrome. Also called: Neoplastic Syndromes, Hereditary; Tumor predisposition; Hereditary Cancer Syndrome; Hereditary neoplastic syndrome. Identifiers: Orphanet 140162, MedGen C0027672, MeSH D009386, MONDO:0015356.

Submissions (3):

Labcorp Genetics (formerly Invitae), Labcorp
Classification: Uncertain significance for Hereditary breast ovarian cancer syndrome. Last evaluated: 2024-03-28. Review status: criteria provided, single submitter. Criteria: Invitae Variant Classification Sherloc (09022015). Collection method: clinical testing. Allele origin: germline.
Comment: This sequence change replaces leucine, which is neutral and non-polar, with valine, which is neutral and non-polar, at codon 1335 of the BRCA1 protein (p.Leu1335Val). This variant is not present in population databases (gnomAD no frequency). This variant has not been reported in the literature in individuals affected with BRCA1-related conditions. ClinVar contains an entry for this variant (Variation ID: 1736954). Advanced modeling of protein sequence and biophysical properties (such as structural, functional, and spatial information, amino acid conservation, physicochemical variation, residue mobility, and thermodynamic stability) performed at Invitae indicates that this missense variant is not expected to disrupt BRCA1 protein function with a negative predictive value of 95%. In summary, the available evidence is currently insufficient to determine the role of this variant in disease. Therefore, it has been classified as a Variant of Uncertain Significance.

University of Washington Department of Laboratory Medicine, University of Washington
Classification: Likely benign for Hereditary cancer-predisposing syndrome. Last evaluated: 2023-03-23. Review status: criteria provided, single submitter. Criteria: Dines et al. (Genet Med. 2020). Collection method: curation. Allele origin: germline.
Comment: Missense variant in a coldspot region where missense variants are very unlikely to be pathogenic (PMID:31911673).

BRCA1 coldspot (exon 11 using historical exon numbering). Reclassification based on statistical prior probability

Ambry Genetics
Classification: Uncertain significance for Hereditary cancer-predisposing syndrome. Last evaluated: 2020-08-11. Review status: criteria provided, single submitter. Criteria: Ambry Variant Classification Scheme 2023. Collection method: clinical testing. Allele origin: germline.
Comment: The p.L1335V variant (also known as c.4003C>G), located in coding exon 9 of the BRCA1 gene, results from a C to G substitution at nucleotide position 4003. The leucine at codon 1335 is replaced by valine, an amino acid with highly similar properties. This amino acid position is not well conserved in available vertebrate species. In addition, the in silico prediction for this alteration is inconclusive. Since supporting evidence is limited at this time, the clinical significance of this alteration remains unclear.